The following is an entry in ClinVar:

ClinVar aggregate classification (germline): Uncertain significance (1 of 4 stars; one submission).

Allele frequency attached by ClinVar (database versions not stated): TOPMed 0.00002.
gnomAD v4.1: 1 of 1,614,072 alleles (0.000062%); highest among the groups gnomAD compares: South Asian, 0.0011%; no homozygotes.

Submission:

Labcorp Genetics (formerly Invitae), Labcorp
Classification: Uncertain significance. Last evaluated: 2022-03-19. Review status: criteria provided, single submitter. Criteria: Invitae Variant Classification Sherloc (09022015). Collection method: clinical testing. Allele origin: germline.
Comment: In summary, the available evidence is currently insufficient to determine the role of this variant in disease. Therefore, it has been classified as a Variant of Uncertain Significance. Algorithms developed to predict the effect of missense changes on protein structure and function (SIFT, PolyPhen-2, Align-GVGD) all suggest that this variant is likely to be tolerated. ClinVar contains an entry for this variant (Variation ID: 1020679). This variant has not been reported in the literature in individuals affected with SCN3A-related conditions. This variant is not present in population databases (gnomAD no frequency). This sequence change replaces glycine, which is neutral and non-polar, with alanine, which is neutral and non-polar, at codon 1042 of the SCN3A protein (p.Gly1042Ala).

NM_006922.4(SCN3A):c.3125G>C (p.Gly1042Ala)

Gene: SCN3A (sodium voltage-gated channel alpha subunit 3; minus strand). Cytogenetic location: 2q24.3.
Variant type: single nucleotide variant.
Coding change: c.3125G>C on transcript NM_006922.4 (MANE Select); coding-DNA position 3125, G replaced by C.
Protein change: p.Gly1042Ala; replaces glycine 1042 with alanine.
Molecular consequence: missense variant.
Genome position (GRCh38, 1-based): chr2:165,127,899, C>G on the plus strand (G>C on the coding strand, the complement: SCN3A is on the minus strand). VCF-style: chr2-165127899-C-G. GRCh37 (hg19) VCF-style: chr2-165984409-C-G.
Other names: c.2978G>C, p.Gly993Ala (NM_001081676.2, NM_001081677.2); short protein forms G1042A, G993A.
Identifiers: ClinVar variation 1020679 (VCV001020679.8), dbSNP rs747148406, ClinGen allele CA349041056.